The following is an entry in ClinVar:

NM_001042492.3(NF1):c.2635T>G (p.Ser879Ala)

Gene: NF1 (neurofibromin 1; plus strand). Cytogenetic location: 17q11.2.
Variant type: single nucleotide variant.
Coding change: c.2635T>G on transcript NM_001042492.3 (MANE Select); coding-DNA position 2635, T replaced by G.
Protein change: p.Ser879Ala; replaces serine 879 with alanine.
Molecular consequence: missense variant.
Genome position (GRCh38, 1-based): chr17:31,229,250, T>G. VCF-style: chr17-31229250-T-G. GRCh37 (hg19) VCF-style: chr17-29556268-T-G.
Other names: c.2635T>G, p.Ser879Ala (NM_000267.4); short protein forms S879A.
Identifiers: ClinVar variation 1794113 (VCV001794113.2), dbSNP rs2151429311, ClinGen allele CA398984597.

ClinVar aggregate classification (germline): Uncertain significance (1 of 4 stars; one submission).

Conditions:
Cardiovascular phenotype. Identifiers: MedGen CN230736.
Hereditary cancer-predisposing syndrome. Also called: Tumor predisposition; Hereditary Cancer Syndrome; Neoplastic Syndromes, Hereditary; Hereditary neoplastic syndrome. Identifiers: Orphanet 140162, MedGen C0027672, MeSH D009386, MONDO:0015356.

Submission:

Ambry Genetics
Classification: Uncertain significance for Cardiovascular phenotype; Hereditary cancer-predisposing syndrome. Last evaluated: 2022-02-02. Review status: criteria provided, single submitter. Criteria: Ambry Variant Classification Scheme 2023. Collection method: clinical testing. Allele origin: germline.
Comment: The p.S879A variant (also known as c.2635T>G), located in coding exon 21 of the NF1 gene, results from a T to G substitution at nucleotide position 2635. The serine at codon 879 is replaced by alanine, an amino acid with similar properties. This amino acid position is highly conserved in available vertebrate species. In addition, the in silico prediction for this alteration is inconclusive. Since supporting evidence is limited at this time, the clinical significance of this alteration remains unclear.